The following is an entry in ClinVar:

NM_014908.4(DOLK):c.495C>A (p.Ile165=)

Gene: DOLK (dolichol kinase; minus strand). Cytogenetic location: 9q34.11.
Variant type: single nucleotide variant.
Coding change: c.495C>A on transcript NM_014908.4 (MANE Select); coding-DNA position 495, C replaced by A.
Protein change: p.Ile165=; no amino-acid change (isoleucine 165 retained).
Molecular consequence: synonymous variant.
Genome position (GRCh38, 1-based): chr9:128,946,809, G>T on the plus strand (C>A on the coding strand, the complement: DOLK is on the minus strand). VCF-style: chr9-128946809-G-T. GRCh37 (hg19) VCF-style: chr9-131709088-G-T.
Identifiers: ClinVar variation 389788 (VCV000389788.12), dbSNP rs149177994, ClinGen allele CA16605377.
Genomic context (GRCh38, chr9:128,946,809, plus strand): 5'-CAGCAGGTACAGCAGGATCATGTTGAGATAAACGAAGATCAGAAGGACTTCCAGGACTTC[G>T]ATCACCTCCCCCACGCTCAACGAGTGCTTCATGATATAAATGATAACACCTCCAGCCAAG-3'
Protein context (NP_055723.1, residues 155-175): MKHSLSVGEV[Ile165=]EVLEVLLIFV

ClinVar aggregate classification (germline): Likely benign. Review status: criteria provided, multiple submitters, no conflicts (2 of 4 stars). 2 submissions from 2 submitters: Likely benign (2). Last evaluated 2025-03-19.

Conditions:
DK1-congenital disorder of glycosylation. Also called: CDG Im; DK1 DEFICIENCY; DOLICHOL KINASE DEFICIENCY; DK1-CDG; DOLK-congenital disorder of glycosylation; Carbohydrate deficient glycoprotein syndrome type 1m. Identifiers: Orphanet 91131, MedGen C1835849, MONDO:0012556, OMIM 610768.

Allele frequency attached by ClinVar (database versions not stated): gnomAD exomes below 0.00001.

Submissions (2):

Labcorp Genetics (formerly Invitae), Labcorp
Classification: Likely benign for DK1-congenital disorder of glycosylation. Last evaluated: 2025-03-19. Review status: criteria provided, single submitter. Criteria: Invitae Variant Classification Sherloc (09022015). Collection method: clinical testing. Allele origin: germline.

GeneDx
Classification: Likely benign. Last evaluated: 2016-10-17. Review status: criteria provided, single submitter. Criteria: GeneDx Variant Classification (06012015). Collection method: clinical testing. Allele origin: germline. Affected: yes.
Comment: This variant is considered likely benign or benign based on one or more of the following criteria: it is a conservative change, it occurs at a poorly conserved position in the protein, it is predicted to be benign by multiple in silico algorithms, and/or has population frequency not consistent with disease.